The following is an entry in ClinVar:

ClinVar aggregate classification (germline): Uncertain significance (1 of 4 stars; one submission).

Conditions:
Perlman syndrome (PRLMNS). Identifiers: Orphanet 2849, MedGen C0796113, MONDO:0009965, OMIM 267000.

Submission:

Labcorp Genetics (formerly Invitae), Labcorp
Classification: Uncertain significance for Perlman syndrome. Last evaluated: 2022-08-23. Review status: criteria provided, single submitter. Criteria: Invitae Variant Classification Sherloc (09022015). Collection method: clinical testing. Allele origin: germline.
Comment: This sequence change replaces proline, which is neutral and non-polar, with serine, which is neutral and polar, at codon 356 of the DIS3L2 protein (p.Pro356Ser). In summary, the available evidence is currently insufficient to determine the role of this variant in disease. Therefore, it has been classified as a Variant of Uncertain Significance. Algorithms developed to predict the effect of missense changes on protein structure and function are either unavailable or do not agree on the potential impact of this missense change (SIFT: "Tolerated"; PolyPhen-2: "Probably Damaging"; Align-GVGD: "Class C0"). This variant has not been reported in the literature in individuals affected with DIS3L2-related conditions. This variant is not present in population databases (gnomAD no frequency).

NM_152383.5(DIS3L2):c.1066C>T (p.Pro356Ser)

Gene: DIS3L2 (DIS3 like 3'-5' exoribonuclease 2; plus strand). Cytogenetic location: 2q37.1.
Variant type: single nucleotide variant.
Coding change: c.1066C>T on transcript NM_152383.5 (MANE Select); coding-DNA position 1066, C replaced by T.
Protein change: p.Pro356Ser; replaces proline 356 with serine.
Molecular consequence: missense variant. On other transcripts: non-coding transcript variant (2).
Genome position (GRCh38, 1-based): chr2:232,163,574, C>T. VCF-style: chr2-232163574-C-T. GRCh37 (hg19) VCF-style: chr2-233028284-C-T.
Other names: c.1066C>T, p.Pro356Ser (NM_001257281.2); short protein forms P356S.
Identifiers: ClinVar variation 1939266 (VCV001939266.5), dbSNP rs2469895770, ClinGen allele CA351154408.